The following is an entry in ClinVar:

ClinVar aggregate classification (germline): Uncertain significance (1 of 4 stars; one submission).

Conditions:
Idiopathic generalized epilepsy. Also called: EIG; Generalised epilepsy. Identifiers: MedGen C0270850, MONDO:0005579, OMIM 600669.

gnomAD v4.1: 1 of 1,613,192 alleles (0.000062%); highest among the groups gnomAD compares: African/African-American, 0.0013%; no homozygotes.

Submission:

Labcorp Genetics (formerly Invitae), Labcorp
Classification: Uncertain significance for Idiopathic generalized epilepsy. Last evaluated: 2017-11-14. Review status: criteria provided, single submitter. Criteria: Invitae Variant Classification Sherloc (09022015). Collection method: clinical testing. Allele origin: germline.
Comment: In summary, the available evidence is currently insufficient to determine the role of this variant in disease. Therefore, it has been classified as a Variant of Uncertain Significance. Algorithms developed to predict the effect of missense changes on protein structure and function do not agree on the potential impact of this missense change (SIFT: "Tolerated"; PolyPhen-2: "Possibly Damaging"; Align-GVGD: "Class C0"). This variant has not been reported in the literature in individuals with GABRD-related disease. This variant is not present in population databases (ExAC no frequency). This sequence change replaces alanine with proline at codon 343 of the GABRD protein (p.Ala343Pro). The alanine residue is moderately conserved and there is a small physicochemical difference between alanine and proline.

NM_000815.5(GABRD):c.1027G>C (p.Ala343Pro)

Gene: GABRD (gamma-aminobutyric acid type A receptor subunit delta; plus strand). Cytogenetic location: 1p36.33.
Variant type: single nucleotide variant.
Coding change: c.1027G>C on transcript NM_000815.5 (MANE Select); coding-DNA position 1027, G replaced by C.
Protein change: p.Ala343Pro; replaces alanine 343 with proline.
Molecular consequence: missense variant.
Genome position (GRCh38, 1-based): chr1:2,029,730, G>C. VCF-style: chr1-2029730-G-C. GRCh37 (hg19) VCF-style: chr1-1961169-G-C.
Other names: short protein forms A343P.
Identifiers: ClinVar variation 529511 (VCV000529511.8), dbSNP rs749316684, ClinGen allele CA337960287.